The following is an entry in ClinVar:

ClinVar aggregate classification (germline): Likely pathogenic (1 of 4 stars; one submission).

Conditions:
Wilson disease (WND). Also called: Wilson's disease. Identifiers: Orphanet 905, MedGen C0019202, MONDO:0010200, OMIM 277900. Disease mechanism: loss of function.

Submission:

Myriad Genetics, Inc.
Classification: Likely pathogenic for Wilson disease. Last evaluated: 2022-02-17. Review status: criteria provided, single submitter. Criteria: Myriad Women's Health Autosomal Recessive and X-Linked Classification Criteria (2021). Collection method: clinical testing. Allele origin: unknown.
Comment: NM_000053.3(ATP7B):c.3583_3584delGC(A1195Rfs*63) is expected to be pathogenic in the context of Wilson disease. This variant is predicted to lead to an abnormal or absent protein product due to the creation of a premature termination codon in ATP7B, a gene where loss-of-function variants are known to be pathogenic. Please note: this variant was assessed in the context of healthy population screening.

NM_000053.4(ATP7B):c.3583_3584del (p.Ala1195fs)

Gene: ATP7B (ATPase copper transporting beta; minus strand). Cytogenetic location: 13q14.3.
Variant type: Deletion.
Coding change: c.3583_3584del on transcript NM_000053.4 (MANE Select); coding-DNA positions 3583 to 3584, 2 bases deleted (GC; older notation c.3583_3584delGC).
Protein change: p.Ala1195fs; shifts the reading frame from alanine 1195.
Molecular consequence: frameshift variant.
Genome position (GRCh38, 1-based): chr13:51,939,166-51,939,167, GC deleted on the plus strand (GC on the coding strand, the reverse complement: ATP7B is on the minus strand); deleting any 2 consecutive bases within chr13:51,939,166-51,939,168 gives the same sequence; the c. name uses the placement nearest the transcript's 3' end. VCF-style (leftmost placement, unchanged base first): chr13-51939165-TGC-T. GRCh37 (hg19) VCF-style: chr13-52513301-TGC-T.
Other names: c.2962_2963del, p.Ala988fs (NM_001005918.3); c.3250_3251del, p.Ala1084fs (NM_001243182.2); c.3349_3350del, p.Ala1117fs (NM_001330578.2); c.3331_3332del, p.Ala1111fs (NM_001330579.2); c.3582_3583delCG, p.Ala1195Argfs (NM_001406511.1, NM_001406512.1, NM_001406526.1); c.3576_3577delCG, p.Ala1193Argfs (NM_001406513.1); c.3549_3550delCG, p.Ala1184Argfs (NM_001406514.1); c.3528_3529delCG, p.Ala1177Argfs (NM_001406515.1, NM_001406516.1); and 22 more; short protein forms A1084fs, A1111fs, A1117fs, A1195fs, A988fs.
Identifiers: ClinVar variation 1724458 (VCV001724458.2), dbSNP rs2547584343, ClinGen allele CA2580087725.